The following is an entry in ClinVar:

NM_001394372.1(BICRA):c.727A>G (p.Met243Val)

Gene: BICRA (BRD4 interacting chromatin remodeling complex associated protein; plus strand). Cytogenetic location: 19q13.33.
Variant type: single nucleotide variant.
Coding change: c.727A>G on transcript NM_001394372.1 (MANE Select); coding-DNA position 727, A replaced by G.
Protein change: p.Met243Val; replaces methionine 243 with valine.
Molecular consequence: missense variant.
Genome position (GRCh38, 1-based): chr19:47,679,897, A>G. VCF-style: chr19-47679897-A-G. GRCh37 (hg19) VCF-style: chr19-48183154-A-G.
Other names: c.727A>G, p.Met243Val (NM_015711.3); short protein forms M243V.
Identifiers: ClinVar variation 3392878 (VCV003392878.1).

ClinVar aggregate classification (germline): Uncertain significance (1 of 4 stars; one submission).

gnomAD v4.1: 1 of 1,521,724 alleles (0.000066%); highest among the groups gnomAD compares: Non-Finnish European, 0.000088%; no homozygotes.

Submission:

GeneDx
Classification: Uncertain significance. Last evaluated: 2024-06-27. Review status: criteria provided, single submitter. Criteria: GeneDx Variant Classification Process June 2021. Collection method: clinical testing. Allele origin: germline. Affected: yes.
Comment: Not observed at significant frequency in large population cohorts (gnomAD); In silico analysis indicates that this missense variant does not alter protein structure/function; Has not been previously published as pathogenic or benign to our knowledge